The following is an entry in ClinVar:

ClinVar aggregate classification (germline): Uncertain significance (1 of 4 stars; one submission).

gnomAD v4.1: 4 of 1,543,208 alleles (0.00026%); highest among the groups gnomAD compares: Non-Finnish European, 0.00035%; no homozygotes.

Submission:

GeneDx
Classification: Uncertain significance. Last evaluated: 2019-11-13. Review status: criteria provided, single submitter. Criteria: GeneDx Variant Classification Process June 2021. Collection method: clinical testing. Allele origin: germline. Affected: yes.
Comment: Not observed in large population cohorts (Lek et al., 2016); In silico analysis, which includes protein predictors and evolutionary conservation, supports a deleterious effect; Has not been previously published as pathogenic or benign to our knowledge

NM_001385012.1(NBEA):c.2294C>G (p.Ala765Gly)

Gene: NBEA (neurobeachin; plus strand). Cytogenetic location: 13q13.3.
Variant type: single nucleotide variant.
Coding change: c.2294C>G on transcript NM_001385012.1 (MANE Select); coding-DNA position 2294, C replaced by G.
Protein change: p.Ala765Gly; replaces alanine 765 with glycine.
Molecular consequence: missense variant.
Genome position (GRCh38, 1-based): chr13:35,123,532, C>G. VCF-style: chr13-35123532-C-G. GRCh37 (hg19) VCF-style: chr13-35697669-C-G.
Other names: c.2294C>G, p.Ala765Gly (NM_001379245.1, NM_015678.5); short protein forms A765G.
Identifiers: ClinVar variation 1318613 (VCV001318613.2), dbSNP rs2152677057, ClinGen allele CA387833453.